The following is an entry in ClinVar:

NM_052945.4(TNFRSF13C):c.475C>T (p.His159Tyr)

Gene: TNFRSF13C (TNF receptor superfamily member 13C; minus strand). Cytogenetic location: 22q13.2.
Variant type: single nucleotide variant.
Coding change: c.475C>T on transcript NM_052945.4 (MANE Select); coding-DNA position 475, C replaced by T.
Protein change: p.His159Tyr; replaces histidine 159 with tyrosine.
Molecular consequence: missense variant.
Genome position (GRCh38, 1-based): chr22:41,925,447, G>A on the plus strand (C>T on the coding strand, the complement: TNFRSF13C is on the minus strand). VCF-style: chr22-41925447-G-A. GRCh37 (hg19) VCF-style: chr22-42321451-G-A.
Other names: short protein forms H159Y.
Identifiers: ClinVar variation 440345 (VCV000440345.64), dbSNP rs61756766, ClinGen allele CA10262427.

ClinVar aggregate classification (germline): Conflicting classifications of pathogenicity. Review status: criteria provided, conflicting classifications (1 of 4 stars). 5 submissions from 5 submitters: Uncertain significance (1); Likely benign (4). Last evaluated 2026-08-01.

Conditions:
Immunodeficiency, common variable, 4. Also called: ANTIBODY DEFICIENCY DUE TO BAFFR DEFECT. Identifiers: Orphanet 1572, Orphanet 696925, MedGen C3150739, MONDO:0013284, OMIM 613494.

Allele frequency attached by ClinVar (database versions not stated): 1000 Genomes Project 0.00339; 1000 Genomes Project 30x 0.00344; ESP Exome Variant Server 0.00515; ExAC 0.00561; TOPMed 0.00649; gnomAD exomes 0.00571 and 0.00582; gnomAD 0.00573 and 0.00575.
gnomAD v4.1: 9,412 of 1,612,458 alleles (0.58%); highest among the groups gnomAD compares: Middle Eastern, 1.7%; 48 homozygotes.

Submissions (5):

CeGaT Center for Human Genetics Tuebingen
Classification: Likely benign. Last evaluated: 2026-08-01. Review status: criteria provided, single submitter. Criteria: CeGaT Center For Human Genetics Tuebingen Variant Classification Criteria Version 2. Collection method: clinical testing. Allele origin: germline. Affected: yes. Observed: 23 variant alleles.
Comment: TNFRSF13C: BS2

Labcorp Genetics (formerly Invitae), Labcorp
Classification: Likely benign for Immunodeficiency, common variable, 4. Last evaluated: 2026-02-03. Review status: criteria provided, single submitter. Criteria: Invitae Variant Classification Sherloc (09022015). Collection method: clinical testing. Allele origin: germline.

Women's Health and Genetics/Laboratory Corporation of America, LabCorp
Classification: Likely benign. Last evaluated: 2026-01-31. Review status: criteria provided, single submitter. Criteria: LabCorp Variant Classification Summary - May 2015. Collection method: clinical testing. Allele origin: germline.
Comment: Variant summary: TNFRSF13C c.475C>T (p.His159Tyr) results in a conservative amino acid change in the encoded protein sequence. Algorithms developed to predict the effect of missense changes on protein structure and function are either unavailable or do not agree on the potential impact of this missense change. The variant allele was found at a frequency of 0.0057 in 249214 control chromosomes in the gnomAD database, including 10 homozygotes. The observed variant frequency exceeds the estimated maximal expected allele frequency for disease-causing variants in TNFRSF13C. c.475C>T has been observed in individuals affected with Immunodeficiency, common variable, 4 or related disorders, commonly as a heterozygous or unreported genotype without evidence for causality (e.g. Grossi_2021, Fekrvand_2025, Bisgin_2021). The variant was also detected in homozygous siblings affected with primary antibody deficiency, but with suspected consanguinity and without adequate segregation evidence to support causality (e.g. Abolhassani_2019). These report(s) do not provide unequivocal conclusions about association of the variant with Immunodeficiency, common variable, 4. One publication reports experimental evidence showing increased TNFRSF13C signaling activity and immunoglobulin production (e.g. Hildebrand_2010), however, does not allow convincing conclusions about the variant effect in the context of Immunodeficiency, common variable, 4. The following publications have been ascertained in the context of this evaluation (PMID: 29921932, 34573280, 41023781, 40455168, 33859323, 37313206, 21041452). ClinVar contains an entry for this variant (Variation ID: 440345). Based on the evidence outlined above, the variant was classified as likely benign.

ARUP Laboratories, Molecular Genetics and Genomics, ARUP Laboratories
Classification: Uncertain significance for Immunodeficiency, common variable, 4. Last evaluated: 2023-11-07. Review status: criteria provided, single submitter. Criteria: ARUP Molecular Germline Variant Investigation Process 2024. Collection method: clinical testing. Allele origin: germline.
Comment: The TNFRSF13C c.475C>T; p.His159Tyr variant (rs61756766) is reported in the literature in multiple individuals affected with various autoimmune diseases, including common variable immunodeficiency (CVID), non-Hodgkin lymphoma, and Sjogren syndrome (Abolhassani 2019, Hildebrand 2010, Kutukculer 2012, Losi 2005, Lougaris 2014, Papageorgiou 2015), but also in healthy controls (Losi 2005, Papageorgiou 2015). Additionally, several of the affected individuals also carried the p.Pro21Arg variant (Kutukculer 2012, Lougaris 2014), including one CVID family in which these two variants were confirmed to be on the same chromosome (Lougaris 2016). This variant is reported in ClinVar (Variation ID: 440345), and is found in the general population with an overall allele frequency of 0.56% (1575/280578 alleles, including 10 homozygotes) in the Genome Aggregation Database. The histidine at codon 159 is highly conserved, and computational analyses (SIFT, PolyPhen-2) predict that this variant is deleterious. Functional assays show an increase in immunoglobulin production compared to wild-type cells in vitro (Hildebrand 2010), and a reduced amount of protein on patient cells in combination with the p.Pro21Arg variant (Lougaris 2016). Due to conflicting information and the lack of information regarding the association with the p.Pro21Arg variant, the clinical significance of the p.His159Tyr variant alone or in combination with p.Pro21Arg in CVID remains uncertain.

Illumina Laboratory Services, Illumina
Classification: Likely benign for Immunodeficiency, common variable, 4. Last evaluated: 2017-04-27. Review status: criteria provided, single submitter. Criteria: ICSL Variant Classification Criteria 13 December 2019. Collection method: clinical testing. Allele origin: germline.
Comment: This variant was observed as part of a predisposition screen in an ostensibly healthy population. A literature search was performed for the gene, cDNA change, and amino acid change (where applicable). Publications were found based on this search. The evidence from the literature, in combination with allele frequency data from public databases where available, was sufficient to determine this variant is unlikely to cause disease. Therefore, this variant is classified as likely benign.

Literature cited by the submitters: PubMed 29921932 (cited by Women's Health and Genetics/Laboratory Corporation of America, LabCorp); PubMed 34573280 (cited by Women's Health and Genetics/Laboratory Corporation of America, LabCorp); PubMed 33859323 (cited by Women's Health and Genetics/Laboratory Corporation of America, LabCorp); PubMed 40455168 (cited by Women's Health and Genetics/Laboratory Corporation of America, LabCorp); PubMed 41023781 (cited by Women's Health and Genetics/Laboratory Corporation of America, LabCorp); PubMed 21041452 (cited by Women's Health and Genetics/Laboratory Corporation of America, LabCorp and Illumina Laboratory Services, Illumina); PubMed 37313206 (cited by Women's Health and Genetics/Laboratory Corporation of America, LabCorp).